The following is an entry in ClinVar:

ClinVar aggregate classification (germline): Uncertain significance (1 of 4 stars; one submission).

Submission:

GeneDx
Classification: Uncertain significance. Last evaluated: 2024-12-31. Review status: criteria provided, single submitter. Criteria: GeneDx Variant Classification Process June 2021. Collection method: clinical testing. Allele origin: germline.
Comment: Not observed at significant frequency in large population cohorts (gnomAD); In silico analysis suggests this variant may impact gene splicing. In the absence of RNA/functional studies, the actual effect of this sequence change is unknown.; Has not been previously published as pathogenic or benign to our knowledge

NM_021098.3(CACNA1H):c.3864G>A (p.Gln1288=)

Gene: CACNA1H (calcium voltage-gated channel subunit alpha1 H; plus strand). Cytogenetic location: 16p13.3.
Variant type: single nucleotide variant.
Coding change: c.3864G>A on transcript NM_021098.3 (MANE Select); coding-DNA position 3864, G replaced by A.
Protein change: p.Gln1288=; no amino-acid change (glutamine 1288 retained).
Molecular consequence: synonymous variant.
Genome position (GRCh38, 1-based): chr16:1,210,388, G>A. VCF-style: chr16-1210388-G-A. GRCh37 (hg19) VCF-style: chr16-1260388-G-A.
Other names: c.3864G>A, p.Gln1288= (NM_001005407.2).
Identifiers: ClinVar variation 3368261 (VCV003368261.2).